The following is an entry in ClinVar:

ClinVar aggregate classification (germline): Likely benign (1 of 4 stars; one submission).

Allele frequency attached by ClinVar (database versions not stated): gnomAD exomes 0.00176; gnomAD 0.01106 and 0.01157; TOPMed 0.01317; 1000 Genomes Project 0.01616; 1000 Genomes Project 30x 0.01748.
gnomAD v4.1: 1,519 of 279,738 alleles (0.54%); highest among the groups gnomAD compares: African/African-American, 3.9%; 30 homozygotes.

Submission:

GeneDx
Classification: Likely benign. Last evaluated: 2018-06-14. Review status: criteria provided, single submitter. Criteria: GeneDx Variant Classification (06012015). Collection method: clinical testing. Allele origin: germline. Affected: yes.
Comment: This variant is considered likely benign or benign based on one or more of the following criteria: it is a conservative change, it occurs at a poorly conserved position in the protein, it is predicted to be benign by multiple in silico algorithms, and/or has population frequency not consistent with disease.

NM_002637.4(PHKA1):c.3073-269T>C

Gene: PHKA1 (phosphorylase kinase regulatory subunit alpha 1; minus strand). Cytogenetic location: Xq13.1.
Variant type: single nucleotide variant.
Coding change: c.3073-269T>C on transcript NM_002637.4 (MANE Select); 269 bases into the intron before coding-DNA position 3073, T replaced by C.
Molecular consequence: intron variant.
Genome position (GRCh38, 1-based): chrX:72,593,543, A>G on the plus strand (T>C on the coding strand, the complement: PHKA1 is on the minus strand). VCF-style: chrX-72593543-A-G. GRCh37 (hg19) VCF-style: chrX-71813393-A-G.
Other names: c.2857-269T>C (NM_001172436.2); c.3034-269T>C (NM_001122670.2).
Identifiers: ClinVar variation 672474 (VCV000672474.1), dbSNP rs189193979, ClinGen allele CA331069454.
Genomic context (GRCh38, chrX:72,593,543, plus strand): 5'-AGGCGCCTGCCACCATGCTCGGCTAACTTTTTGTATTTTTAGTAGAGACGGGGTTTCACC[A>G]TGTTAGCCAGGATGGTCTTGATCTCCTGACCTCATGATCCACCCGCCTGGGCCTCCCAAA-3'